The following is an entry in ClinVar:

NM_002382.5(MAX):c.37-15dup

Gene: MAX (MYC associated transcriptional regulator X; minus strand). Cytogenetic location: 14q23.3.
Variant type: Duplication.
Coding change: c.37-15dup on transcript NM_002382.5 (MANE Select); 15 bases into the intron before coding-DNA position 37, one base duplicated (T; older notation c.37-15dupT).
Molecular consequence: intron variant.
Genome position (GRCh38, 1-based): chr14:65,101,587, A duplicated on the plus strand (T on the coding strand, the reverse complement: MAX is on the minus strand); the first of 11 consecutive A bases (chr14:65,101,587-65,101,597); duplicating any one gives the same sequence. VCF-style (leftmost placement, unchanged base first): chr14-65101586-G-GA. GRCh37 (hg19) VCF-style: chr14-65568304-G-GA.
Other names: c.37-15dupT (NM_002382.3, NM_002382.5); c.37-15dup (NM_002382.4, NM_197957.4, NM_145113.3 and 1 more transcripts); c.36+717dup (NM_001271069.2, NM_145112.3, NM_001271068.2); c.-238-15dup (NM_001320415.2).
Identifiers: ClinVar variation 313818 (VCV000313818.12), dbSNP rs747340873, ClinGen allele CA7233003.
Genomic context (GRCh38, chr14:65,101,586, plus strand): 5'-ATGGAGAGTAGGAGACGTACCGCAGATTGAAACCTCGGTTGCTCTTCCTGGAATAAGAGA[G>GA]AAAAAAAAAAATAGAAAATATAGAAGTTATTTTTACACTTAACATTCAATAATAAGAAAG-3'

ClinVar aggregate classification (germline): Benign/Likely benign. Review status: criteria provided, multiple submitters, no conflicts (2 of 4 stars). 6 submissions from 6 submitters: Benign (4); Likely benign (2). Last evaluated 2025-03-04.

Conditions:
Hereditary cancer-predisposing syndrome. Also called: Hereditary neoplastic syndrome; Tumor predisposition; Hereditary Cancer Syndrome; Neoplastic Syndromes, Hereditary. Identifiers: Orphanet 140162, MedGen C0027672, MeSH D009386, MONDO:0015356.
Hereditary pheochromocytoma and paraganglioma. Also called: Hereditary paragangliomas and pheochromocytomas; Hereditary pheochromocytoma-paraganglioma; Hereditary Paraganglioma-Pheochromocytoma Syndromes. Identifiers: Orphanet 29072, MedGen C4274332, MONDO:0017366.

Submissions (6):

Center for Genomic Medicine, Rigshospitalet, Copenhagen University Hospital
Classification: Benign. Last evaluated: 2025-03-04. Review status: criteria provided, single submitter. Criteria: ACMG Guidelines, 2015. Collection method: clinical testing. Allele origin: germline.

Labcorp Genetics (formerly Invitae), Labcorp
Classification: Benign for Hereditary pheochromocytoma and paraganglioma. Last evaluated: 2024-12-04. Review status: criteria provided, single submitter. Criteria: Invitae Variant Classification Sherloc (09022015). Collection method: clinical testing. Allele origin: germline.

Blueprint Genetics
Classification: Likely benign. Last evaluated: 2024-11-27. Review status: criteria provided, single submitter. Criteria: ACMG Guidelines, 2015. Collection method: clinical testing. Allele origin: germline.

Department of Pathology and Laboratory Medicine, Sinai Health System
Classification: Benign for hereditary pheochromocytoma-paraganglioma. Last evaluated: 2024-08-15. Review status: criteria provided, single submitter. Criteria: ACMG Guidelines, 2015. Collection method: clinical testing. Allele origin: germline.

Women's Health and Genetics/Laboratory Corporation of America, LabCorp
Classification: Benign. Last evaluated: 2016-04-29. Review status: criteria provided, single submitter. Criteria: LabCorp Variant Classification Summary - May 2015. Collection method: clinical testing. Allele origin: germline.
Comment: Variant summary: The c.37-15dupT variant affects a non-conserved intronic nucleotide at a location not widely known to affect splicing. 5/5 in silico tools predict the variant not to affect splicing. This variant is found in 3433/48344 control chromosomes at a frequency of 0.0710119, which is about 2840477 times greater than the maximal expected frequency of a pathogenic allele (2.5e-08), suggesting this variant is benign polymorphism. Taken together, this variant is classified as Benign.

Ambry Genetics
Classification: Likely benign for Hereditary cancer-predisposing syndrome. Last evaluated: 2015-01-05. Review status: criteria provided, single submitter. Criteria: Ambry Variant Classification Scheme 2023. Collection method: clinical testing. Allele origin: germline.